The following is an entry in ClinVar:

NM_004655.4(AXIN2):c.1200+16C>T

Gene: AXIN2 (axin 2; minus strand). Cytogenetic location: 17q24.1.
Variant type: single nucleotide variant.
Coding change: c.1200+16C>T on transcript NM_004655.4 (MANE Select); 16 bases into the intron after coding-DNA position 1200, C replaced by T.
Molecular consequence: intron variant.
Genome position (GRCh38, 1-based): chr17:65,538,187, G>A on the plus strand (C>T on the coding strand, the complement: AXIN2 is on the minus strand). VCF-style: chr17-65538187-G-A. GRCh37 (hg19) VCF-style: chr17-63534305-G-A.
Other names: c.1200+16C>T (LRG_296t1, NM_001363813.1).
Identifiers: ClinVar variation 507241 (VCV000507241.8), dbSNP rs756352400, ClinGen allele CA8718826.

ClinVar aggregate classification (germline): Likely benign. Review status: criteria provided, multiple submitters, no conflicts (2 of 4 stars). 2 submissions from 2 submitters: Likely benign (2). Last evaluated 2024-06-03.

Conditions:
Oligodontia-cancer predisposition syndrome. Also called: TOOTH AGENESIS-COLORECTAL CANCER SYNDROME. Identifiers: Orphanet 300576, MedGen C1837750, MONDO:0012075, OMIM 608615. Disease mechanism: loss of function.

Allele frequency attached by ClinVar (database versions not stated): TOPMed below 0.00001; gnomAD 0.00001.
gnomAD v4.1: 6 of 1,613,992 alleles (0.00037%); highest among the groups gnomAD compares: South Asian, 0.0022%; no homozygotes.

Submissions (2):

Labcorp Genetics (formerly Invitae), Labcorp
Classification: Likely benign for Oligodontia-cancer predisposition syndrome. Last evaluated: 2024-06-03. Review status: criteria provided, single submitter. Criteria: Invitae Variant Classification Sherloc (09022015). Collection method: clinical testing. Allele origin: germline.

GeneDx
Classification: Likely benign. Last evaluated: 2017-02-02. Review status: criteria provided, single submitter. Criteria: GeneDx Variant Classification (06012015). Collection method: clinical testing. Allele origin: germline. Affected: yes.
Comment: This variant is considered likely benign or benign based on one or more of the following criteria: it is a conservative change, it occurs at a poorly conserved position in the protein, it is predicted to be benign by multiple in silico algorithms, and/or has population frequency not consistent with disease.